The following is an entry in ClinVar:

NM_005188.4(CBL):c.2483C>T (p.Pro828Leu)

Gene: CBL (Cbl proto-oncogene; plus strand). Cytogenetic location: 11q23.3.
Variant type: single nucleotide variant.
Coding change: c.2483C>T on transcript NM_005188.4 (MANE Select); coding-DNA position 2483, C replaced by T.
Protein change: p.Pro828Leu; replaces proline 828 with leucine.
Molecular consequence: missense variant.
Genome position (GRCh38, 1-based): chr11:119,299,543, C>T. VCF-style: chr11-119299543-C-T. GRCh37 (hg19) VCF-style: chr11-119170253-C-T.
Other names: short protein forms P828L.
Identifiers: ClinVar variation 1958113 (VCV001958113.5), dbSNP rs763756632, ClinGen allele CA6318796.

ClinVar aggregate classification (germline): Uncertain significance (1 of 4 stars; one submission).

Conditions:
RASopathy. Also called: Noonan spectrum disorder; rasopathies. Identifiers: Orphanet 536391, MedGen C5555857, MONDO:0021060.

Allele frequency attached by ClinVar (database versions not stated): gnomAD exomes below 0.00001; gnomAD 0.00001; ExAC 0.00002.
gnomAD v4.1: 5 of 1,614,024 alleles (0.00031%); highest among the groups gnomAD compares: South Asian, 0.0011%; no homozygotes.

Submission:

Labcorp Genetics (formerly Invitae), Labcorp
Classification: Uncertain significance for RASopathy. Last evaluated: 2023-06-21. Review status: criteria provided, single submitter. Criteria: Invitae Variant Classification Sherloc (09022015). Collection method: clinical testing. Allele origin: germline.
Comment: Advanced modeling of protein sequence and biophysical properties (such as structural, functional, and spatial information, amino acid conservation, physicochemical variation, residue mobility, and thermodynamic stability) performed at Invitae indicates that this missense variant is not expected to disrupt CBL protein function. ClinVar contains an entry for this variant (Variation ID: 1958113). This variant has not been reported in the literature in individuals affected with CBL-related conditions. This variant is present in population databases (rs763756632, gnomAD 0.003%). This sequence change replaces proline, which is neutral and non-polar, with leucine, which is neutral and non-polar, at codon 828 of the CBL protein (p.Pro828Leu). In summary, the available evidence is currently insufficient to determine the role of this variant in disease. Therefore, it has been classified as a Variant of Uncertain Significance.